The following is an entry in ClinVar:

ClinVar aggregate classification (germline): Uncertain significance. Review status: criteria provided, multiple submitters, no conflicts (2 of 4 stars). 2 submissions from 2 submitters: Uncertain significance (2). Last evaluated 2026-04-26.

Conditions:
Inborn genetic diseases. Identifiers: MedGen C0950123, MeSH D030342.

gnomAD v4.1: 1 of 1,613,742 alleles (0.000062%); highest among the groups gnomAD compares: Non-Finnish European, 0.000085%; no homozygotes.

Submissions (2):

Ambry Genetics
Classification: Uncertain significance for Inborn genetic diseases. Last evaluated: 2026-04-26. Review status: criteria provided, single submitter. Criteria: Ambry Variant Classification Scheme 2023. Collection method: clinical testing. Allele origin: germline.
Comment: The p.G746E variant (also known as c.2237G>A), located in coding exon 1 of the SAMD9L gene, results from a G to A substitution at nucleotide position 2237. The glycine at codon 746 is replaced by glutamic acid, an amino acid with similar properties. This amino acid position is conserved. In addition, this alteration is predicted to be deleterious by in silico analysis. Based on the available evidence, the clinical significance of this variant remains unclear.

GeneDx
Classification: Uncertain significance. Last evaluated: 2024-02-20. Review status: criteria provided, single submitter. Criteria: GeneDx Variant Classification Process June 2021. Collection method: clinical testing. Allele origin: germline. Affected: yes.
Comment: Not observed at significant frequency in large population cohorts (gnomAD); In silico analysis supports that this missense variant has a deleterious effect on protein structure/function; Has not been previously published as pathogenic or benign to our knowledge; This variant is associated with the following publications: (PMID: 28545555)

NM_152703.5(SAMD9L):c.2237G>A (p.Gly746Glu)

Gene: SAMD9L (sterile alpha motif domain containing 9 like; minus strand). Cytogenetic location: 7q21.2.
Variant type: single nucleotide variant.
Coding change: c.2237G>A on transcript NM_152703.5 (MANE Select); coding-DNA position 2237, G replaced by A.
Protein change: p.Gly746Glu; replaces glycine 746 with glutamic acid.
Molecular consequence: missense variant.
Genome position (GRCh38, 1-based): chr7:93,133,735, C>T on the plus strand (G>A on the coding strand, the complement: SAMD9L is on the minus strand). VCF-style: chr7-93133735-C-T. GRCh37 (hg19) VCF-style: chr7-92763048-C-T.
Other names: c.2237G>A (NM_152703.2); c.2237G>A, p.Gly746Glu (NM_001303496.3, NM_001303497.3, NM_001303498.3 and 5 more transcripts); short protein forms G746E.
Identifiers: ClinVar variation 3369399 (VCV003369399.2).